The following is an entry in ClinVar:

ClinVar aggregate classification (germline): Uncertain significance (1 of 4 stars; one submission).

gnomAD v4.1: 1 of 1,613,388 alleles (0.000062%); highest among the groups gnomAD compares: Non-Finnish European, 0.000085%; no homozygotes.

Submission:

Labcorp Genetics (formerly Invitae), Labcorp
Classification: Uncertain significance. Last evaluated: 2024-02-17. Review status: criteria provided, single submitter. Criteria: Invitae Variant Classification Sherloc (09022015). Collection method: clinical testing. Allele origin: germline.
Comment: This sequence change replaces glycine, which is neutral and non-polar, with arginine, which is basic and polar, at codon 2149 of the DCHS1 protein (p.Gly2149Arg). This variant is present in population databases (no rsID available, gnomAD 0.0009%). This variant has not been reported in the literature in individuals affected with DCHS1-related conditions. Advanced modeling of protein sequence and biophysical properties (such as structural, functional, and spatial information, amino acid conservation, physicochemical variation, residue mobility, and thermodynamic stability) performed at Invitae indicates that this missense variant is expected to disrupt DCHS1 protein function with a positive predictive value of 80%. In summary, the available evidence is currently insufficient to determine the role of this variant in disease. Therefore, it has been classified as a Variant of Uncertain Significance.

NM_003737.4(DCHS1):c.6445G>C (p.Gly2149Arg)

Gene: DCHS1 (dachsous cadherin-related 1; minus strand). Cytogenetic location: 11p15.4.
Variant type: single nucleotide variant.
Coding change: c.6445G>C on transcript NM_003737.4 (MANE Select); coding-DNA position 6445, G replaced by C.
Protein change: p.Gly2149Arg; replaces glycine 2149 with arginine.
Molecular consequence: missense variant.
Genome position (GRCh38, 1-based): chr11:6,626,300, C>G on the plus strand (G>C on the coding strand, the complement: DCHS1 is on the minus strand). VCF-style: chr11-6626300-C-G. GRCh37 (hg19) VCF-style: chr11-6647531-C-G.
Other names: short protein forms G2149R.
Identifiers: ClinVar variation 3687570 (VCV003687570.2).